The following is an entry in ClinVar:

NM_001197104.2(KMT2A):c.8455T>C (p.Ser2819Pro)

Gene: KMT2A (lysine methyltransferase 2A; plus strand). Cytogenetic location: 11q23.3.
Variant type: single nucleotide variant.
Coding change: c.8455T>C on transcript NM_001197104.2 (MANE Select); coding-DNA position 8455, T replaced by C.
Protein change: p.Ser2819Pro; replaces serine 2819 with proline.
Molecular consequence: missense variant.
Genome position (GRCh38, 1-based): chr11:118,504,347, T>C. VCF-style: chr11-118504347-T-C. GRCh37 (hg19) VCF-style: chr11-118375062-T-C.
Other names: c.8545T>C, p.Ser2849Pro (NM_001412597.1); c.8446T>C, p.Ser2816Pro (NM_005933.4); short protein forms S2849P, S2816P, S2819P.
Identifiers: ClinVar variation 2820162 (VCV002820162.4), dbSNP rs1443122959, ClinGen allele CA382813860.
Genomic context (GRCh38, chr11:118,504,347, plus strand): 5'-TCCTTGGAAGCTCAGCTCAGCTCATTGGAGTCAAGCCGCAGAGTCCACACAAGTACCCCC[T>C]CCGACAAAAATTTACTGGACACCTATAATACTGAGCTCCTGAAATCAGATTCAGACAATA-3'
Protein context (NP_001184033.1, residues 2809-2829): SSRRVHTSTP[Ser2819Pro]DKNLLDTYNT

ClinVar aggregate classification (germline): Conflicting classifications of pathogenicity. Review status: criteria provided, conflicting classifications (1 of 4 stars). 2 submissions from 2 submitters: Uncertain significance (1); Likely benign (1). Last evaluated 2024-09-20.

Conditions:
Wiedemann-Steiner syndrome (WDSTS). Also called: Growth deficiency and mental retardation with facial dysmorphism. Identifiers: Orphanet 319182, MedGen C1854630, MONDO:0011518, OMIM 605130.

Allele frequency attached by ClinVar (database versions not stated): TOPMed below 0.00001.

Submissions (2):

3billion
Classification: Likely benign for Wiedemann-Steiner syndrome. Last evaluated: 2024-09-20. Review status: criteria provided, single submitter. Criteria: ACMG Guidelines, 2015. Collection method: clinical testing. Allele origin: germline. Affected: no.
Comment: The variant was identified in at least one patient who was diagnosed with a different variant in another gene and showed no symptoms related to the gene containing the variant in question.

Labcorp Genetics (formerly Invitae), Labcorp
Classification: Uncertain significance. Last evaluated: 2023-02-21. Review status: criteria provided, single submitter. Criteria: Invitae Variant Classification Sherloc (09022015). Collection method: clinical testing. Allele origin: germline.
Comment: In summary, the available evidence is currently insufficient to determine the role of this variant in disease. Therefore, it has been classified as a Variant of Uncertain Significance. Advanced modeling of protein sequence and biophysical properties (such as structural, functional, and spatial information, amino acid conservation, physicochemical variation, residue mobility, and thermodynamic stability) performed at Invitae indicates that this missense variant is not expected to disrupt KMT2A protein function. This variant has not been reported in the literature in individuals affected with KMT2A-related conditions. This variant is not present in population databases (gnomAD no frequency). This sequence change replaces serine, which is neutral and polar, with proline, which is neutral and non-polar, at codon 2819 of the KMT2A protein (p.Ser2819Pro).